The following is an entry in ClinVar:

ClinVar aggregate classification (germline): Uncertain significance (1 of 4 stars; one submission).

Submission:

Labcorp Genetics (formerly Invitae), Labcorp
Classification: Uncertain significance. Last evaluated: 2025-08-27. Review status: criteria provided, single submitter. Criteria: Invitae Variant Classification Sherloc (09022015). Collection method: clinical testing. Allele origin: germline.
Comment: This sequence change replaces phenylalanine, which is neutral and non-polar, with valine, which is neutral and non-polar, at codon 651 of the SORL1 protein (p.Phe651Val). This variant is not present in population databases (gnomAD no frequency). This variant has not been reported in the literature in individuals affected with SORL1-related conditions. ClinVar contains an entry for this variant (Variation ID: 1427777). An algorithm developed to predict the effect of missense changes on protein structure and function (PolyPhen-2) suggests that this variant is likely to be disruptive. In summary, the available evidence is currently insufficient to determine the role of this variant in disease. Therefore, it has been classified as a Variant of Uncertain Significance.

NM_003105.6(SORL1):c.1951T>G (p.Phe651Val)

Gene: SORL1 (sortilin related receptor 1; plus strand). Cytogenetic location: 11q24.1.
Variant type: single nucleotide variant.
Coding change: c.1951T>G on transcript NM_003105.6 (MANE Select); coding-DNA position 1951, T replaced by G.
Protein change: p.Phe651Val; replaces phenylalanine 651 with valine.
Molecular consequence: missense variant.
Genome position (GRCh38, 1-based): chr11:121,545,329, T>G. VCF-style: chr11-121545329-T-G. GRCh37 (hg19) VCF-style: chr11-121416038-T-G.
Other names: short protein forms F651V.
Identifiers: ClinVar variation 1427777 (VCV001427777.8), dbSNP rs1249949372, ClinGen allele CA383030339.